The following is an entry in ClinVar:

NM_000091.5(COL4A3):c.4803del (p.Gly1602fs)

Genes: MFF-DT (MFF divergent transcript; minus strand), COL4A3 (collagen type IV alpha 3 chain; plus strand). Cytogenetic location: 2q36.3.
Variant type: Deletion.
Coding change: c.4803del on transcript NM_000091.5 (MANE Select); coding-DNA position 4803, one base deleted (T; older notation c.4803delT).
Protein change: p.Gly1602fs; shifts the reading frame from glycine 1602.
Molecular consequence: frameshift variant.
Genome position (GRCh38, 1-based): chr2:227,310,823, T deleted. VCF-style (leftmost placement, unchanged base first): chr2-227310822-CT-C. GRCh37 (hg19) VCF-style: chr2-228175538-CT-C.
Other names: c.4803delT (NM_000091.4).
Identifiers: ClinVar variation 550931 (VCV000550931.15), dbSNP rs760846085, ClinGen allele CA2147658.

ClinVar aggregate classification (germline): Pathogenic. Review status: criteria provided, multiple submitters, no conflicts (2 of 4 stars). 6 submissions from 6 submitters: Pathogenic (4). 2 of the submissions do not count toward it. Last evaluated 2025-12-17.

Conditions:
Autosomal dominant Alport syndrome (ATS3A). Also called: ALPORT SYNDROME 3A, AUTOSOMAL DOMINANT; Alport syndrome dominant type; Renal failure and sensorineural hearing loss. Identifiers: Orphanet 63, Orphanet 88918, MedGen C5882663, MONDO:0007086, OMIM 104200.
Hematuria, benign familial, 2 (BFH2). Identifiers: MedGen C5830421, MONDO:0958186, OMIM 620320.
Alport syndrome 3b, autosomal recessive. Identifiers: MedGen C5882699, MONDO:0957811, OMIM 620536.
Alport syndrome. Also called: Hemorrhagic familial nephritis; Hemorrhagic hereditary nephritis; Congenital hereditary hematuria. Identifiers: Orphanet 63, MedGen C1567741, MONDO:0018965.
Autosomal recessive Alport syndrome (ATS2). Also called: ALPORT SYNDROME 2, AUTOSOMAL RECESSIVE; Alport syndrome type 2; COL4A3-Related Nephropathy; COL4A4 Alport Syndrome and Thin Basement Membrane Nephropathy. Identifiers: Orphanet 63, Orphanet 88919, MedGen C4746745, MONDO:0008762, OMIM 203780.

Allele frequency attached by ClinVar (database versions not stated): ExAC 0.00001; gnomAD exomes 0.00001 and 0.00005; gnomAD 0.00002; TOPMed 0.00002.

Submissions (6):

Natera, Inc.
Classification: Pathogenic for Alport syndrome. Last evaluated: 2025-12-17. Review status: criteria provided, single submitter. Criteria: Natera Variant Classification Schema (03/2026). Collection method: clinical testing. Allele origin: germline.
Comment: The c.4803delT variant in COL4A3 is a frameshift variant predicted to shift the reading frame beginning at codon 1602 and leads to a stop codon 13 codons downstream. This variant is expected to result in nonsense mediated decay, truncation, or a dysfunctional protein product. This variant is rare in the general population with a frequency below the threshold expected for the associated phenotype(s). This variant has been observed in one or more individuals affected with the associated recessive disease, as either homozygous or compound heterozygous with a second variant (PMID: 28117080). Given the available evidence, this variant is classified as Pathogenic.

Labcorp Genetics (formerly Invitae), Labcorp
Classification: Pathogenic. Last evaluated: 2025-11-17. Review status: criteria provided, single submitter. Criteria: Invitae Variant Classification Sherloc (09022015). Collection method: clinical testing. Allele origin: germline.
Comment: This sequence change creates a premature translational stop signal (p.Gly1602Alafs*13) in the COL4A3 gene. It is expected to result in an absent or disrupted protein product. Loss-of-function variants in COL4A3 are known to be pathogenic (PMID: 8956999, 24854265, 26809805, 27281700). This variant is present in population databases (rs760846085, gnomAD 0.002%). This premature translational stop signal has been observed in individual(s) with steroid-resistant nephrotic syndrome (PMID: 28117080). In at least one individual the data is consistent with being in trans (on the opposite chromosome) from a pathogenic variant. ClinVar contains an entry for this variant (Variation ID: 550931). For these reasons, this variant has been classified as Pathogenic.

Fulgent Genetics
Classification: Pathogenic for Autosomal dominant Alport syndrome; Hematuria, benign familial, 2; Alport syndrome 3b, autosomal recessive. Last evaluated: 2024-04-30. Review status: criteria provided, single submitter. Criteria: ACMG Guidelines, 2015. Collection method: clinical testing. Allele origin: germline.

GeneDx
Classification: Pathogenic. Last evaluated: 2023-07-27. Review status: criteria provided, single submitter. Criteria: GeneDx Variant Classification Process June 2021. Collection method: clinical testing. Allele origin: germline. Affected: yes.
Comment: Frameshift variant predicted to result in protein truncation or nonsense mediated decay in a gene for which loss of function is a known mechanism of disease; Not observed at significant frequency in large population cohorts (gnomAD); This variant is associated with the following publications: (PMID: 32652570, 33040356, 37163122, 33712733, 28117080)

Bioscientia Institut fuer Medizinische Diagnostik GmbH, Sonic Healthcare
Classification: Pathogenic for Autosomal dominant Alport syndrome. Last evaluated: 2018-10-30. Review status: no assertion criteria provided. Collection method: clinical testing. Allele origin: germline. Affected: yes. Not counted in ClinVar's aggregate classification.

Counsyl
Classification: Likely pathogenic for Autosomal recessive Alport syndrome. Last evaluated: 2017-03-23. Review status: no assertion criteria provided. Collection method: clinical testing. Allele origin: unknown. Not counted in ClinVar's aggregate classification.

Literature cited by the submitters: PubMed 28117080 (cited by 3 submitters); PubMed 8956999 (cited by Labcorp Genetics (formerly Invitae), Labcorp); PubMed 24854265 (cited by Labcorp Genetics (formerly Invitae), Labcorp); PubMed 26809805 (cited by Labcorp Genetics (formerly Invitae), Labcorp); PubMed 27281700 (cited by Labcorp Genetics (formerly Invitae), Labcorp).